The following is an entry in ClinVar:

ClinVar aggregate classification (germline): Uncertain significance (1 of 4 stars; one submission).

gnomAD v4.1: 1 of 1,614,118 alleles (0.000062%); highest among the groups gnomAD compares: Non-Finnish European, 0.000085%; no homozygotes.

Submission:

Labcorp Genetics (formerly Invitae), Labcorp
Classification: Uncertain significance. Last evaluated: 2025-06-18. Review status: criteria provided, single submitter. Criteria: Invitae Variant Classification Sherloc (09022015). Collection method: clinical testing. Allele origin: germline.
Comment: This sequence change replaces arginine, which is basic and polar, with serine, which is neutral and polar, at codon 995 of the ALPK1 protein (p.Arg995Ser). This variant is not present in population databases (gnomAD no frequency). This variant has not been reported in the literature in individuals affected with ALPK1-related conditions. Invitae Evidence Modeling of protein sequence and biophysical properties (such as structural, functional, and spatial information, amino acid conservation, physicochemical variation, residue mobility, and thermodynamic stability) indicates that this missense variant is expected to disrupt ALPK1 protein function with a positive predictive value of 80%. In summary, the available evidence is currently insufficient to determine the role of this variant in disease. Therefore, it has been classified as a Variant of Uncertain Significance.

NM_025144.4(ALPK1):c.2985A>C (p.Arg995Ser)

Gene: ALPK1 (alpha kinase 1; plus strand). Cytogenetic location: 4q25.
Variant type: single nucleotide variant.
Coding change: c.2985A>C on transcript NM_025144.4 (MANE Select); coding-DNA position 2985, A replaced by C.
Protein change: p.Arg995Ser; replaces arginine 995 with serine.
Molecular consequence: missense variant.
Genome position (GRCh38, 1-based): chr4:112,432,532, A>C. VCF-style: chr4-112432532-A-C. GRCh37 (hg19) VCF-style: chr4-113353688-A-C.
Other names: c.2985A>C, p.Arg995Ser (NM_001102406.2); c.2751A>C, p.Arg917Ser (NM_001253884.2); short protein forms R917S, R995S.
Identifiers: ClinVar variation 4768593 (VCV004768593.1).